The following is an entry in ClinVar:

ClinVar aggregate classification (germline): Conflicting classifications of pathogenicity. Review status: criteria provided, conflicting classifications (1 of 4 stars). 5 submissions from 5 submitters: Uncertain significance (1); Benign (2); Likely benign (2). Last evaluated 2026-09-01.

Conditions:
Disseminated atypical mycobacterial infection. Identifiers: MedGen C0694566.
Immunodeficiency 27A (IMD27A). Also called: IMMUNODEFICIENCY 27A, MYCOBACTERIOSIS, AUTOSOMAL RECESSIVE; IFNGR1 DEFICIENCY, AUTOSOMAL RECESSIVE. Identifiers: Orphanet 319569, Orphanet 99898, MedGen C4011949, MONDO:0008856, OMIM 209950.

Allele frequency attached by ClinVar (database versions not stated): 1000 Genomes Project 0.00020; 1000 Genomes Project 30x 0.00031; gnomAD 0.00146 and 0.00151; TOPMed 0.00157; ESP Exome Variant Server 0.00223.
gnomAD v4.1: 3,784 of 1,614,086 alleles (0.23%); highest among the groups gnomAD compares: Non-Finnish European, 0.31%; 10 homozygotes.

Submissions (5):

CeGaT Center for Human Genetics Tuebingen
Classification: Likely benign. Last evaluated: 2026-09-01. Review status: criteria provided, single submitter. Criteria: CeGaT Center For Human Genetics Tuebingen Variant Classification Criteria Version 2. Collection method: clinical testing. Allele origin: germline. Affected: yes. Observed: 5 variant alleles.
Comment: IFNGR1: BP4, BP7

Women's Health and Genetics/Laboratory Corporation of America, LabCorp
Classification: Benign. Last evaluated: 2026-04-28. Review status: criteria provided, single submitter. Criteria: LabCorp Variant Classification Summary - May 2015. Collection method: clinical testing. Allele origin: germline.
Comment: Variant summary: IFNGR1 c.1341C>T alters a non-conserved nucleotide resulting in a synonymous change. Consensus agreement among computation tools predict no significant impact on normal splicing. However, these predictions have yet to be confirmed by functional studies. The variant allele was found at a frequency of 0.0014 in 251216 control chromosomes, predominantly at a frequency of 0.0029 within the Non-Finnish European subpopulation in the gnomAD database, including 1 homozygotes. The observed variant frequency within Non-Finnish European control individuals in the gnomAD database exceeds the estimated maximal expected allele frequency for disease-causing variants in IFNGR1. To our knowledge, no occurrence of c.1341C>T in individuals affected with IFNGR1-related conditions and no experimental evidence demonstrating its impact on protein function have been reported. ClinVar contains an entry for this variant (Variation ID: 531671). Based on the evidence outlined above, the variant was classified as benign.

Labcorp Genetics (formerly Invitae), Labcorp
Classification: Benign for Disseminated atypical mycobacterial infection. Last evaluated: 2026-02-01. Review status: criteria provided, single submitter. Criteria: Invitae Variant Classification Sherloc (09022015). Collection method: clinical testing. Allele origin: germline.

Blueprint Genetics
Classification: Likely benign. Last evaluated: 2024-10-15. Review status: criteria provided, single submitter. Criteria: ACMG Guidelines, 2015. Collection method: clinical testing. Allele origin: germline.

Illumina Laboratory Services, Illumina
Classification: Uncertain significance for Immunodeficiency 27A. Last evaluated: 2018-01-12. Review status: criteria provided, single submitter. Criteria: ICSL Variant Classification Criteria 13 December 2019. Collection method: clinical testing. Allele origin: germline.

NM_000416.3(IFNGR1):c.1341C>T (p.Thr447=)

Gene: IFNGR1 (interferon gamma receptor 1; minus strand). Cytogenetic location: 6q23.3.
Variant type: single nucleotide variant.
Coding change: c.1341C>T on transcript NM_000416.3 (MANE Select); coding-DNA position 1341, C replaced by T.
Protein change: p.Thr447=; no amino-acid change (threonine 447 retained).
Molecular consequence: synonymous variant.
Genome position (GRCh38, 1-based): chr6:137,198,160, G>A on the plus strand (C>T on the coding strand, the complement: IFNGR1 is on the minus strand). VCF-style: chr6-137198160-G-A. GRCh37 (hg19) VCF-style: chr6-137519297-G-A.
Other names: c.1311C>T, p.Thr437= (NM_001363526.1); c.1218C>T, p.Thr406= (NM_001363527.1).
Identifiers: ClinVar variation 531671 (VCV000531671.40), dbSNP rs41288979, ClinGen allele CA4018767.
Genomic context (GRCh38, chr6:137,198,160, plus strand): 5'-AAGTAGATCCACTAGCACATGTGGTTTATCATAACCAAAGGAGGTGGGGGCTTTTATTAC[G>A]GTTATGAGCTCTTGTCCTTCTGTTTTTATTTCACCTTTATTATTTGGGGGAAATTCTGAG-3'
Protein context (NP_000407.1, residues 437-457): EIKTEGQELI[Thr447=]VIKAPTSFGY